The following is an entry in ClinVar:

ClinVar aggregate classification (germline): Pathogenic/Likely pathogenic. Review status: criteria provided, multiple submitters, no conflicts (2 of 4 stars). 2 submissions from 2 submitters: Pathogenic (1); Likely pathogenic (1). Last evaluated 2022-04-22.

Conditions:
Multiple endocrine neoplasia, type 1 (MEN1). Also called: MEN I; WERMER SYNDROME; Endocrine adenomatosis multiple; MEN 1; MEA I. Identifiers: Orphanet 652, MedGen C0025267, MeSH D018761, MONDO:0007540, OMIM 131100.
Hereditary cancer-predisposing syndrome. Also called: Tumor predisposition; Neoplastic Syndromes, Hereditary; Hereditary Cancer Syndrome; Hereditary neoplastic syndrome. Identifiers: Orphanet 140162, MedGen C0027672, MeSH D009386, MONDO:0015356.

Submissions (2):

Ambry Genetics
Classification: Pathogenic for Hereditary cancer-predisposing syndrome. Last evaluated: 2022-04-22. Review status: criteria provided, single submitter. Criteria: Ambry Variant Classification Scheme 2023. Collection method: clinical testing. Allele origin: germline.
Comment: The p.E473* pathogenic mutation (also known as c.1417G>T), located in coding exon 9 of the MEN1 gene, results from a G to T substitution at nucleotide position 1417. This changes the amino acid from a glutamic acid to a stop codon within coding exon 9. This alteration occurs at the 3' terminus of theMEN1 gene, is not expected to trigger nonsense-mediated mRNA decay, and impacts the last 138 amino acids of the protein. However, premature stop codons are typically deleterious in nature and the impacted region is critical for protein function (Ambry internal data). This alteration has been observed in at least one individual with a personal and/or family history that is consistent with MEN1-related disease (Ambry internal data). This variant is considered to be rare based on population cohorts in the Genome Aggregation Database (gnomAD). Based on the supporting evidence, this alteration is interpreted as a disease-causing mutation.

Juno Genomics, Hangzhou Juno Genomics, Inc
Classification: Likely pathogenic for Multiple endocrine neoplasia, type 1. Review status: criteria provided, single submitter. Criteria: ACMG Guidelines, 2015. Collection method: clinical testing. Allele origin: germline. Affected: yes.
Comment: Null variant in a gene where loss of function (LOF) is a known mechanism of disease.;Absent from controls (or at extremely low frequency if recessive) in Genome Aggregation Database, Exome Sequencing Project, 1000 Genomes Project, or Exome Aggregation Consortium.;Patient's phenotype or family history is highly specific for a disease with a single genetic etiology.

NM_001370259.2(MEN1):c.1417G>T (p.Glu473Ter)

Gene: MEN1 (menin 1; minus strand). Cytogenetic location: 11q13.1.
Variant type: single nucleotide variant.
Coding change: c.1417G>T on transcript NM_001370259.2 (MANE Select); coding-DNA position 1417, G replaced by T.
Protein change: p.Glu473Ter; replaces glutamic acid 473 with a stop codon.
Molecular consequence: nonsense.
Genome position (GRCh38, 1-based): chr11:64,804,750, C>A on the plus strand (G>T on the coding strand, the complement: MEN1 is on the minus strand). VCF-style: chr11-64804750-C-A. GRCh37 (hg19) VCF-style: chr11-64572222-C-A.
Other names: c.1312G>T, p.Glu438Ter (NM_001370263.2, NM_001407148.1, NM_001407149.1 and 1 more transcripts); c.1543G>T, p.Glu515Ter (NM_001407142.1, NM_001407143.1, NM_001407144.1 and 1 more transcripts); c.1432G>T, p.Glu478Ter (NM_001407145.1, NM_000244.4, NM_130800.3 and 4 more transcripts); c.1417G>T, p.Glu473Ter (NM_001407146.1, NM_001407147.1, NM_001370260.2 and 2 more transcripts); c.1558G>T, p.Glu520Ter (NM_001407150.1); c.1438G>T, p.Glu480Ter (NM_001407151.1); c.1252G>T, p.Glu418Ter (NM_001407152.1); short protein forms E473*, E520*, E418*, E438*, E480*, E478*, E515*.
Identifiers: ClinVar variation 1772165 (VCV001772165.4), dbSNP rs1312374123, ClinGen allele CA381179479.
Genomic context (GRCh38, chr11:64,804,750, plus strand): 5'-GGGGCTCCTCTGGCTTGGACTCCCGCCGTGGGCCCCGCCGCCGGCCTTCCCGGGCTTCCT[C>A]GCCCCACGGCTCCTCGGCCTCGGCCGCCTCGGCCTCTCGGCTCACTATGCGCACCTTCTG-3'